The following is an entry in ClinVar:

NM_005633.4(SOS1):c.1381A>G (p.Ile461Val)

Gene: SOS1 (SOS Ras/Rac guanine nucleotide exchange factor 1; minus strand). Cytogenetic location: 2p22.1.
Variant type: single nucleotide variant.
Coding change: c.1381A>G on transcript NM_005633.4 (MANE Select); coding-DNA position 1381, A replaced by G.
Protein change: p.Ile461Val; replaces isoleucine 461 with valine.
Molecular consequence: missense variant.
Genome position (GRCh38, 1-based): chr2:39,023,047, T>C on the plus strand (A>G on the coding strand, the complement: SOS1 is on the minus strand). VCF-style: chr2-39023047-T-C. GRCh37 (hg19) VCF-style: chr2-39250188-T-C.
Other names: c.1360A>G, p.Ile454Val (NM_001382394.1); c.1381A>G, p.Ile461Val (NM_001382395.1); short protein forms I461V, I454V.
Identifiers: ClinVar variation 3321545 (VCV003321545.3).

ClinVar aggregate classification (germline): Uncertain significance. Review status: criteria provided, multiple submitters, no conflicts (2 of 4 stars). 2 submissions from 2 submitters: Uncertain significance (2). Last evaluated 2024-06-09.

Conditions:
RASopathy. Also called: rasopathies; Noonan spectrum disorder. Identifiers: Orphanet 536391, MedGen C5555857, MONDO:0021060.
Cardiovascular phenotype. Identifiers: MedGen CN230736.

gnomAD v4.1: 7 of 1,613,656 alleles (0.00043%); highest among the groups gnomAD compares: Admixed American, 0.0017%; no homozygotes.

Submissions (2):

Labcorp Genetics (formerly Invitae), Labcorp
Classification: Uncertain significance for RASopathy. Last evaluated: 2024-06-09. Review status: criteria provided, single submitter. Criteria: Invitae Variant Classification Sherloc (09022015). Collection method: clinical testing. Allele origin: germline.
Comment: This sequence change replaces isoleucine, which is neutral and non-polar, with valine, which is neutral and non-polar, at codon 461 of the SOS1 protein (p.Ile461Val). This variant is not present in population databases (gnomAD no frequency). This variant has not been reported in the literature in individuals affected with SOS1-related conditions. Advanced modeling of protein sequence and biophysical properties (such as structural, functional, and spatial information, amino acid conservation, physicochemical variation, residue mobility, and thermodynamic stability) performed at Invitae indicates that this missense variant is not expected to disrupt SOS1 protein function with a negative predictive value of 95%. In summary, the available evidence is currently insufficient to determine the role of this variant in disease. Therefore, it has been classified as a Variant of Uncertain Significance.

Ambry Genetics
Classification: Uncertain significance for Cardiovascular phenotype. Last evaluated: 2024-05-30. Review status: criteria provided, single submitter. Criteria: Ambry Variant Classification Scheme 2023. Collection method: clinical testing. Allele origin: germline.
Comment: The p.I461V variant (also known as c.1381A>G), located in coding exon 10 of the SOS1 gene, results from an A to G substitution at nucleotide position 1381. The isoleucine at codon 461 is replaced by valine, an amino acid with highly similar properties. This amino acid position is conserved. In addition, this alteration is predicted to be tolerated by in silico analysis. Based on the available evidence, the clinical significance of this variant remains unclear.